The following is an entry in ClinVar:

NM_020433.5(JPH2):c.1004A>G (p.His335Arg)

Gene: JPH2 (junctophilin 2; minus strand). Cytogenetic location: 20q13.12.
Variant type: single nucleotide variant.
Coding change: c.1004A>G on transcript NM_020433.5 (MANE Select); coding-DNA position 1004, A replaced by G.
Protein change: p.His335Arg; replaces histidine 335 with arginine.
Molecular consequence: missense variant.
Genome position (GRCh38, 1-based): chr20:44,159,783, T>C on the plus strand (A>G on the coding strand, the complement: JPH2 is on the minus strand). VCF-style: chr20-44159783-T-C. GRCh37 (hg19) VCF-style: chr20-42788423-T-C.
Other names: short protein forms H335R.
Identifiers: ClinVar variation 1777697 (VCV001777697.2), dbSNP rs765561526, ClinGen allele CA409093212.

ClinVar aggregate classification (germline): Uncertain significance (1 of 4 stars; one submission).

Conditions:
Cardiovascular phenotype. Identifiers: MedGen CN230736.

Submission:

Ambry Genetics
Classification: Uncertain significance for Cardiovascular phenotype. Last evaluated: 2021-11-14. Review status: criteria provided, single submitter. Criteria: Ambry Variant Classification Scheme 2023. Collection method: clinical testing. Allele origin: germline.
Comment: The p.H335R variant (also known as c.1004A>G), located in coding exon 2 of the JPH2 gene, results from an A to G substitution at nucleotide position 1004. The histidine at codon 335 is replaced by arginine, an amino acid with highly similar properties. This amino acid position is conserved. In addition, this alteration is predicted to be tolerated by in silico analysis. Since supporting evidence is limited at this time, the clinical significance of this alteration remains unclear.